The following is an entry in ClinVar:

ClinVar aggregate classification (germline): Uncertain significance (1 of 4 stars; one submission).

Conditions:
Hyperekplexia 3 (HKPX3). Also called: HYPEREKPLEXIA 3, AUTOSOMAL RECESSIVE; HYPEREKPLEXIA 3, AUTOSOMAL DOMINANT. Identifiers: Orphanet 3197, MedGen C3553288, MONDO:0013827, OMIM 614618.

Submission:

Labcorp Genetics (formerly Invitae), Labcorp
Classification: Uncertain significance for Hyperekplexia 3. Last evaluated: 2022-09-13. Review status: criteria provided, single submitter. Criteria: Invitae Variant Classification Sherloc (09022015). Collection method: clinical testing. Allele origin: germline.
Comment: In summary, the available evidence is currently insufficient to determine the role of this variant in disease. Therefore, it has been classified as a Variant of Uncertain Significance. Advanced modeling of protein sequence and biophysical properties (such as structural, functional, and spatial information, amino acid conservation, physicochemical variation, residue mobility, and thermodynamic stability) performed at Invitae indicates that this missense variant is expected to disrupt SLC6A5 protein function. This variant has not been reported in the literature in individuals affected with SLC6A5-related conditions. This variant is not present in population databases (gnomAD no frequency). This sequence change replaces aspartic acid, which is acidic and polar, with alanine, which is neutral and non-polar, at codon 592 of the SLC6A5 protein (p.Asp592Ala).

NM_004211.5(SLC6A5):c.1775A>C (p.Asp592Ala)

Gene: SLC6A5 (solute carrier family 6 member 5; plus strand). Cytogenetic location: 11p15.1.
Variant type: single nucleotide variant.
Coding change: c.1775A>C on transcript NM_004211.5 (MANE Select); coding-DNA position 1775, A replaced by C.
Protein change: p.Asp592Ala; replaces aspartic acid 592 with alanine.
Molecular consequence: missense variant.
Genome position (GRCh38, 1-based): chr11:20,637,209, A>C. VCF-style: chr11-20637209-A-C. GRCh37 (hg19) VCF-style: chr11-20658755-A-C.
Other names: c.1073A>C, p.Asp358Ala (NM_001318369.2); short protein forms D592A, D358A.
Identifiers: ClinVar variation 2087276 (VCV002087276.4), dbSNP rs2494165933, ClinGen allele CA379918144.
Genomic context (GRCh38, chr11:20,637,209, plus strand): 5'-TTCATTTCCTGACACGGTTCCAGTTTGCCACCATCGAGACCATAGTGACCTCCATCTCAG[A>C]CGAGTTTCCCAAGTACCTACGCACACACAAGCCAGTGTTTACTCTGGGCTGCTGCATTTG-3'
Protein context (NP_004202.4, residues 582-602): TIETIVTSIS[Asp592Ala]EFPKYLRTHK